The following is an entry in ClinVar:

NM_000059.4(BRCA2):c.5525C>T (p.Pro1842Leu)

Gene: BRCA2 (BRCA2 DNA repair associated; plus strand). Cytogenetic location: 13q13.1.
Variant type: single nucleotide variant.
Coding change: c.5525C>T on transcript NM_000059.4 (MANE Select); coding-DNA position 5525, C replaced by T.
Protein change: p.Pro1842Leu; replaces proline 1842 with leucine.
Molecular consequence: missense variant.
Genome position (GRCh38, 1-based): chr13:32,339,880, C>T. VCF-style: chr13-32339880-C-T. GRCh37 (hg19) VCF-style: chr13-32914017-C-T.
Other names: short protein forms P1842L.
Identifiers: ClinVar variation 631392 (VCV000631392.17), dbSNP rs1331207836, ClinGen allele CA387785894.
Genomic context (GRCh38, chr13:32,339,880, plus strand): 5'-ATAAAAATGCAGCCATTAAATTGTCCATATCTAATAGTAATAATTTTGAGGTAGGGCCAC[C>T]TGCATTTAGGATAGCCAGTGGTAAAATCGTTTGTGTTTCACATGAAACAATTAAAAAAGT-3'
Protein context (NP_000050.3, residues 1832-1852): SNSNNFEVGP[Pro1842Leu]AFRIASGKIV

ClinVar aggregate classification (germline): Conflicting classifications of pathogenicity. Review status: criteria provided, conflicting classifications (1 of 4 stars). 4 submissions from 4 submitters: Uncertain significance (3); Likely benign (1). Last evaluated 2024-03-06.

Conditions:
Hereditary breast ovarian cancer syndrome. Also called: Hereditary breast and ovarian cancer; Hereditary breast and ovarian cancer syndrome (HBOC); Breast and ovarian cancer; Hereditary breast and ovarian cancer syndrome; BRCA1- and BRCA2-Associated Hereditary Breast and Ovarian Cancer; Hereditary breast and/or ovarian cancer syndrome. Identifiers: Orphanet 145, MedGen C0677776, MeSH D061325, MONDO:0003582. Disease mechanism: loss of function.
Hereditary cancer-predisposing syndrome. Also called: Tumor predisposition; Neoplastic Syndromes, Hereditary; Hereditary neoplastic syndrome; Hereditary Cancer Syndrome. Identifiers: Orphanet 140162, MedGen C0027672, MeSH D009386, MONDO:0015356.

Allele frequency attached by ClinVar (database versions not stated): gnomAD exomes below 0.00001 and 0.00001; gnomAD 0.00001.
gnomAD v4.1: 4 of 1,612,082 alleles (0.00025%); highest among the groups gnomAD compares: East Asian, 0.0089%; no homozygotes.

Submissions (4):

Color Diagnostics, LLC DBA Color Health
Classification: Uncertain significance for Hereditary cancer-predisposing syndrome. Last evaluated: 2024-03-06. Review status: criteria provided, single submitter. Criteria: ACMG Guidelines, 2015. Collection method: clinical testing. Allele origin: germline.
Comment: This missense variant replaces proline with leucine at codon 1842 of the BRCA2 protein. Computational prediction suggests that this variant may not impact protein structure and function (internally defined REVEL score threshold <= 0.5, PMID: 27666373). To our knowledge, functional studies have not been reported for this variant. This variant has not been reported in individuals affected with hereditary cancer in the literature. This variant has been identified in 4/281204 chromosomes in the general population by the Genome Aggregation Database (gnomAD). The available evidence is insufficient to determine the role of this variant in disease conclusively. Therefore, this variant is classified as a Variant of Uncertain Significance.

University of Washington Department of Laboratory Medicine, University of Washington
Classification: Likely benign for Hereditary cancer-predisposing syndrome. Last evaluated: 2023-03-23. Review status: criteria provided, single submitter. Criteria: Dines et al. (Genet Med. 2020). Collection method: curation. Allele origin: germline.
Comment: Missense variant in a coldspot region where missense variants are very unlikely to be pathogenic (PMID:31911673).

BRCA2 exon 11 coldspot. Reclassification based on statistical prior probability.

Labcorp Genetics (formerly Invitae), Labcorp
Classification: Uncertain significance for Hereditary breast ovarian cancer syndrome. Last evaluated: 2022-08-23. Review status: criteria provided, single submitter. Criteria: Invitae Variant Classification Sherloc (09022015). Collection method: clinical testing. Allele origin: germline.
Comment: This sequence change replaces proline, which is neutral and non-polar, with leucine, which is neutral and non-polar, at codon 1842 of the BRCA2 protein (p.Pro1842Leu). This variant is present in population databases (no rsID available, gnomAD 0.02%). This variant has not been reported in the literature in individuals affected with BRCA2-related conditions. ClinVar contains an entry for this variant (Variation ID: 631392). Advanced modeling of protein sequence and biophysical properties (such as structural, functional, and spatial information, amino acid conservation, physicochemical variation, residue mobility, and thermodynamic stability) performed at Invitae indicates that this missense variant is not expected to disrupt BRCA2 protein function. In summary, the available evidence is currently insufficient to determine the role of this variant in disease. Therefore, it has been classified as a Variant of Uncertain Significance.

Ambry Genetics
Classification: Uncertain significance for Hereditary cancer-predisposing syndrome. Last evaluated: 2020-12-08. Review status: criteria provided, single submitter. Criteria: Ambry Variant Classification Scheme 2023. Collection method: clinical testing. Allele origin: germline.
Comment: The p.P1842L variant (also known as c.5525C>T), located in coding exon 10 of the BRCA2 gene, results from a C to T substitution at nucleotide position 5525. The proline at codon 1842 is replaced by leucine, an amino acid with similar properties. This amino acid position is well conserved in available vertebrate species. In addition, the in silico prediction for this alteration is inconclusive. Since supporting evidence is limited at this time, the clinical significance of this alteration remains unclear.